The following is an entry in ClinVar:

NM_058216.3(RAD51C):c.1009G>C (p.Val337Leu)

Gene: RAD51C (RAD51 paralog C; plus strand). Cytogenetic location: 17q22.
Variant type: single nucleotide variant.
Coding change: c.1009G>C on transcript NM_058216.3 (MANE Select); coding-DNA position 1009, G replaced by C.
Protein change: p.Val337Leu; replaces valine 337 with leucine.
Molecular consequence: missense variant. On other transcripts: non-coding transcript variant (1).
Genome position (GRCh38, 1-based): chr17:58,732,527, G>C. VCF-style: chr17-58732527-G-C. GRCh37 (hg19) VCF-style: chr17-56809888-G-C.
Other names: c.1009G>C (NM_058216.1); short protein forms V337L.
Identifiers: ClinVar variation 1504187 (VCV001504187.9), dbSNP rs2049473367, ClinGen allele CA400365102.
Genomic context (GRCh38, chr17:58,732,527, plus strand): 5'-TCTTTTTCTTTAAGCAGGTTGGCAACATTGTACAAGTCACCCAGCCAGAAGGAATGCACA[G>C]TACTGTTTCAAATCAAAGTCAGTATTATTTGATTAGAGTGGGATTTTGATATTGATGGGC-3'
Protein context (NP_478123.1, residues 327-347): YKSPSQKECT[Val337Leu]LFQIKPQGFR

ClinVar aggregate classification (germline): Uncertain significance. Review status: criteria provided, multiple submitters, no conflicts (2 of 4 stars). 2 submissions from 2 submitters: Uncertain significance (2). Last evaluated 2024-01-08.

Conditions:
Hereditary cancer-predisposing syndrome. Also called: Tumor predisposition; Hereditary neoplastic syndrome; Neoplastic Syndromes, Hereditary; Hereditary Cancer Syndrome. Identifiers: Orphanet 140162, MedGen C0027672, MeSH D009386, MONDO:0015356.
Fanconi anemia complementation group O. Also called: RAD51C-Related Fanconi Anemia. Identifiers: Orphanet 84, MedGen C3150653, MONDO:0013248, OMIM 613390.

Submissions (2):

Labcorp Genetics (formerly Invitae), Labcorp
Classification: Uncertain significance for Fanconi anemia complementation group O. Last evaluated: 2024-01-08. Review status: criteria provided, single submitter. Criteria: Invitae Variant Classification Sherloc (09022015). Collection method: clinical testing. Allele origin: germline.
Comment: This sequence change replaces valine, which is neutral and non-polar, with leucine, which is neutral and non-polar, at codon 337 of the RAD51C protein (p.Val337Leu). This variant is not present in population databases (gnomAD no frequency). This variant has not been reported in the literature in individuals affected with RAD51C-related conditions. ClinVar contains an entry for this variant (Variation ID: 1504187). Advanced modeling of protein sequence and biophysical properties (such as structural, functional, and spatial information, amino acid conservation, physicochemical variation, residue mobility, and thermodynamic stability) performed at Invitae indicates that this missense variant is not expected to disrupt RAD51C protein function with a negative predictive value of 80%. In summary, the available evidence is currently insufficient to determine the role of this variant in disease. Therefore, it has been classified as a Variant of Uncertain Significance.

Ambry Genetics
Classification: Uncertain significance for Hereditary cancer-predisposing syndrome. Last evaluated: 2023-05-16. Review status: criteria provided, single submitter. Criteria: Ambry Variant Classification Scheme 2023. Collection method: clinical testing. Allele origin: germline.
Comment: The p.V337L variant (also known as c.1009G>C), located in coding exon 8 of the RAD51C gene, results from a G to C substitution at nucleotide position 1009. The valine at codon 337 is replaced by leucine, an amino acid with highly similar properties. This alteration was detected in a cohort of 52 unrelated women at risk for hereditary breast/ovarian cancer (HBOC) and negative for BRCA1/2 pathogenic variants (Grasel RS et al. Front Oncol, 2020 Oct;10:571330). This amino acid position is highly conserved in available vertebrate species. In addition, this alteration is predicted to be tolerated by in silico analysis. Since supporting evidence is limited at this time, the clinical significance of this alteration remains unclear.

Literature cited by the submitters: PubMed 33134171 (cited by Ambry Genetics).